The following is an entry in ClinVar:

NM_174936.4(PCSK9):c.2050C>G (p.Leu684Val)

Gene: PCSK9 (proprotein convertase subtilisin/kexin type 9; plus strand). Cytogenetic location: 1p32.3.
Variant type: single nucleotide variant.
Coding change: c.2050C>G on transcript NM_174936.4 (MANE Select); coding-DNA position 2050, C replaced by G.
Protein change: p.Leu684Val; replaces leucine 684 with valine.
Molecular consequence: missense variant.
Genome position (GRCh38, 1-based): chr1:55,063,555, C>G. VCF-style: chr1-55063555-C-G. GRCh37 (hg19) VCF-style: chr1-55529228-C-G.
Other names: c.2173C>G, p.Leu725Val (NM_001407240.1); c.2092C>G, p.Leu698Val (NM_001407241.1); c.2053C>G, p.Leu685Val (NM_001407242.1); c.1993C>G, p.Leu665Val (NM_001407243.1); c.1876C>G, p.Leu626Val (NM_001407244.1); c.1858C>G, p.Leu620Val (NM_001407245.1); c.1675C>G, p.Leu559Val (NM_001407246.1); c.1549C>G, p.Leu517Val (NM_001407247.1); short protein forms L684V, L626V, L725V, L517V, L620V, L665V, L698V, L559V.
Identifiers: ClinVar variation 630175 (VCV000630175.18), dbSNP rs201557607, ClinGen allele CA040499.

ClinVar aggregate classification (germline): Uncertain significance. Review status: criteria provided, multiple submitters, no conflicts (2 of 4 stars). 5 submissions from 5 submitters: Uncertain significance (5). Last evaluated 2026-01-07.

Conditions:
Familial hypercholesterolemia. Also called: Familial hypercholesterolemias; Familial hypercholesterolaemia. Identifiers: MedGen C0020445, MONDO:0005439.
Hypercholesterolemia, autosomal dominant, 3 (FHCL3). Also called: Familial Hypercholesterolemia, Autosomal Dominant, 3; PCSK9-Related Familial Hypercholesterolemia, Autosomal Dominant; Familial hypercholesterolemia 3. Identifiers: MedGen C1863551, MONDO:0011369, OMIM 603776.
Cardiovascular phenotype. Identifiers: MedGen CN230736.

Allele frequency attached by ClinVar (database versions not stated): gnomAD 0.00004; TOPMed 0.00004; gnomAD exomes 0.00007; ESP Exome Variant Server 0.00008; ExAC 0.00011.
gnomAD v4.1: 108 of 1,612,650 alleles (0.0067%); highest among the groups gnomAD compares: Non-Finnish European, 0.0085%; no homozygotes.

Submissions (5):

Cambridge Genomics Laboratory, East Genomic Laboratory Hub, NHS Genomic Medicine Service
Classification: Uncertain significance for Familial hypercholesterolaemia. Last evaluated: 2026-01-07. Review status: criteria provided, single submitter. Criteria: ACGS Best Practice Guidelines for Variant Classification in Rare Disease 2020. Collection method: clinical testing. Allele origin: germline. Affected: yes.

Color Diagnostics, LLC DBA Color Health
Classification: Uncertain significance for Familial hypercholesterolemia. Last evaluated: 2025-11-21. Review status: criteria provided, single submitter. Criteria: ACMG Guidelines, 2015. Collection method: clinical testing. Allele origin: germline.
Comment: This missense variant replaces leucine with valine at codon 684 of the PCSK9 protein. Computational prediction suggests that this variant may not impact protein structure and function. To our knowledge, functional studies have not been reported for this variant. This variant has not been reported in individuals affected with PCSK9-related disorders in the literature. This variant has been identified in 108/1612650 chromosomes in the general population by the Genome Aggregation Database (gnomAD). The available evidence is insufficient to determine the role of this variant in disease conclusively. Therefore, this variant is classified as a Variant of Uncertain Significance.

Ambry Genetics
Classification: Uncertain significance for Cardiovascular phenotype. Last evaluated: 2025-02-04. Review status: criteria provided, single submitter. Criteria: Ambry Variant Classification Scheme 2023. Collection method: clinical testing. Allele origin: germline.
Comment: The p.L684V variant (also known as c.2050C>G), located in coding exon 12 of the PCSK9 gene, results from a C to G substitution at nucleotide position 2050. The leucine at codon 684 is replaced by valine, an amino acid with highly similar properties. This amino acid position is conserved. In addition, this alteration is predicted to be tolerated by in silico analysis. Since supporting evidence is limited at this time, the clinical significance of this alteration remains unclear.

All of Us Research Program, National Institutes of Health
Classification: Uncertain significance for Hypercholesterolemia, autosomal dominant, 3. Last evaluated: 2024-07-10. Review status: criteria provided, single submitter. Criteria: ACMG Guidelines, 2015. Collection method: clinical testing. Allele origin: germline. Inheritance: Autosomal dominant inheritance. Observed: 15 variant alleles, 15 heterozygotes.
Comment: This missense variant replaces leucine with valine at codon 684 of the PCSK9 protein. Computational prediction suggests that this variant may not impact protein structure and function (internally defined REVEL score threshold <= 0.5, PMID: 27666373). To our knowledge, functional studies have not been reported for this variant. This variant has not been reported in individuals affected with familial hypercholesterolemia in the literature. This variant has been identified in 17/247026 chromosomes in the general population by the Genome Aggregation Database (gnomAD). The available evidence is insufficient to determine the role of this variant in disease conclusively. Therefore, this variant is classified as a Variant of Uncertain Significance.

This study involves interpretation of variants in research participants for the purpose of population health screening. Participant phenotype was not available at the time of variant classification. Additional details can be found in publication PMID: 35346344, PMCID: PMC8962531

Labcorp Genetics (formerly Invitae), Labcorp
Classification: Uncertain significance for Hypercholesterolemia, autosomal dominant, 3. Last evaluated: 2021-08-31. Review status: criteria provided, single submitter. Criteria: Invitae Variant Classification Sherloc (09022015). Collection method: clinical testing. Allele origin: germline.
Comment: This sequence change replaces leucine with valine at codon 684 of the PCSK9 protein (p.Leu684Val). The leucine residue is weakly conserved and there is a small physicochemical difference between leucine and valine. This variant is present in population databases (rs201557607, ExAC 0.02%), and has an allele count higher than expected for a pathogenic variant (PMID: 28166811). This variant has not been reported in the literature in individuals affected with PCSK9-related conditions. ClinVar contains an entry for this variant (Variation ID: 630175). Algorithms developed to predict the effect of missense changes on protein structure and function (SIFT, PolyPhen-2, Align-GVGD) all suggest that this variant is likely to be tolerated. In summary, the available evidence is currently insufficient to determine the role of this variant in disease. Therefore, it has been classified as a Variant of Uncertain Significance.

Literature cited by the submitters: PubMed 28166811 (cited by Labcorp Genetics (formerly Invitae), Labcorp).